The following is an entry in ClinVar:

ClinVar aggregate classification (germline): Pathogenic/Likely pathogenic. Review status: criteria provided, multiple submitters, no conflicts (2 of 4 stars). 3 submissions from 3 submitters: Pathogenic (1); Likely pathogenic (1). 1 of the submissions does not count toward it. Last evaluated 2017-10-24.

Conditions:
Ehlers-Danlos syndrome, type 4 (EDSVASC). Also called: Ehlers-Danlos syndrome vascular type; Ehlers Danlos syndrome, ecchymotic type; Ehlers Danlos syndrome, arterial type; Ehlers Danlos syndrome, Sack-Barabas type; Ehlers-Danlos Syndrome Type IV. Identifiers: Orphanet 286, MedGen C0268338, MONDO:0017314, OMIM 130050.

Submissions (3):

Labcorp Genetics (formerly Invitae), Labcorp
Classification: Pathogenic for Ehlers-Danlos syndrome, type 4. Last evaluated: 2017-10-24. Review status: criteria provided, single submitter. Criteria: Invitae Variant Classification Sherloc (09022015). Collection method: clinical testing. Allele origin: germline.
Comment: This sequence change replaces glycine with aspartic acid at codon 321 of the COL3A1 protein (p.Gly321Asp). The glycine residue is highly conserved and there is a moderate physicochemical difference between glycine and aspartic acid. Glycine residues within the Gly-Xaa-Yaa repeats of the triple helix domain are required for the structure and stability of fibrillar collagens (PMID: 7695699, 8218237, 19344236). In COL3A1, missense variants at these glycine residues are significantly enriched in individuals with disease (PMID: 24922459, 25758994) compared to the general population (ExAC). For these reasons, this variant has been classified as Pathogenic. This variant has been reported in an individual affected with vascular Ehlers–Danlos syndrome (PMID: 24922459). This variant is not present in population databases (ExAC no frequency).

GeneDx
Classification: Likely pathogenic. Last evaluated: 2016-06-23. Review status: criteria provided, single submitter. Criteria: GeneDx Variant Classification (06012015). Collection method: clinical testing. Allele origin: germline. Affected: yes.
Comment: The G321D likely pathogenic variant in the COL3A1 gene has been reported in association with EDS type IV (Pepinet al., 2014). In a cohort of 572 EDS type IV index patients harboring an underlying heterozygous COL3A1 variant, G321D was identified in one individual (Pepin et al, 2014). Moreover, the G321D variant was not observed in approximately 6,500 individuals of European and African American ancestry in the NHLBI Exome Sequencing Project, indicating it is not a common benign variant in these populations. The G321D variant is a non-conservative amino acid substitution, which is likely to impact secondary protein structure as these residues differ in polarity, charge, size and/or other properties. In addition, this substitution occurs at a position that is conserved across species. Consequently, in silico analysis predicts this variant is probably damaging to the protein structure/function. The G321D variant affects a Glycine residue in a Gly-X-Y motif in the triple helical region of the COL3A1 gene, where the majority of pathogenic missense variants occur (Stenson et al., 2014; Symoens et al., 2012). Furthermore, Pepin et al. (2014) reported that EDS type IV patients harboring missense variants in which Aspartic acid is substituted for Glycine within the triple helical region of COL3A1 have a decreased life expectancy compared to individuals with COL3A1 null variants (Hazard Ratio = 5.3). Finally, a missense variant in the same residue (G321V) has been reported in the Human Gene Mutation Database in association with EDS type IV (Stenson et al., 2014); however, the pathogenicity of this variant has not been definitively determined. Therefore, this variant is likely pathogenic. In order to definitively determine its clinical significance, additional data is required.

Collagen Diagnostic Laboratory, University of Washington
Classification: Pathogenic for Ehlers-Danlos syndrome, type 4. Review status: no assertion criteria provided. Collection method: clinical testing. Allele origin: germline. Affected: yes. Not counted in ClinVar's aggregate classification.

Literature cited by the submitters: PubMed 7695699 (cited by Labcorp Genetics (formerly Invitae), Labcorp); PubMed 8218237 (cited by Labcorp Genetics (formerly Invitae), Labcorp); PubMed 19344236 (cited by Labcorp Genetics (formerly Invitae), Labcorp); PubMed 24922459 (cited by Labcorp Genetics (formerly Invitae), Labcorp); PubMed 25758994 (cited by Labcorp Genetics (formerly Invitae), Labcorp).

NM_000090.4(COL3A1):c.962G>A (p.Gly321Asp)

Gene: COL3A1 (collagen type III alpha 1 chain; plus strand). Cytogenetic location: 2q32.2.
Variant type: single nucleotide variant.
Coding change: c.962G>A on transcript NM_000090.4 (MANE Select); coding-DNA position 962, G replaced by A.
Protein change: p.Gly321Asp; replaces glycine 321 with aspartic acid.
Molecular consequence: missense variant.
Genome position (GRCh38, 1-based): chr2:188,992,194, G>A. VCF-style: chr2-188992194-G-A. GRCh37 (hg19) VCF-style: chr2-189856920-G-A.
Identifiers: ClinVar variation 101390 (VCV000101390.11), dbSNP rs587779588, ClinGen allele CA007700.
Genomic context (GRCh38, chr2:188,992,194, plus strand): 5'-ACCAGCCATTCAGAATTAAAAGGATATTTGATGTAAACTTCTCTTTTTAGGGTGCTCGGG[G>A]TAATGACGGTGCTCGAGGCAGTGATGGTCAACCAGTAAGTAACTTTCTATCTCTTATGTG-3'
Protein context (NP_000081.2, residues 311-331): PGLPGAAGAR[Gly321Asp]NDGARGSDGQ